The following is an entry in ClinVar:

NM_000350.3(ABCA4):c.3056C>T (p.Thr1019Met)

Gene: ABCA4 (ATP binding cassette subfamily A member 4; minus strand). Cytogenetic location: 1p22.1.
Variant type: single nucleotide variant.
Coding change: c.3056C>T on transcript NM_000350.3 (MANE Select); coding-DNA position 3056, C replaced by T.
Protein change: p.Thr1019Met; replaces threonine 1019 with methionine.
Molecular consequence: missense variant.
Genome position (GRCh38, 1-based): chr1:94,043,470, G>A on the plus strand (C>T on the coding strand, the complement: ABCA4 is on the minus strand). VCF-style: chr1-94043470-G-A. GRCh37 (hg19) VCF-style: chr1-94509026-G-A.
Other names: NM_000350.3(ABCA4):c.3056C>T; c.2834C>T, p.Thr945Met (NM_001425324.1); short protein forms T1019M, T945M.
Identifiers: ClinVar variation 289310 (VCV000289310.65), dbSNP rs201855602, ClinGen allele CA958052.

ClinVar aggregate classification (germline): Pathogenic. Review status: reviewed by expert panel (3 of 4 stars). 15 submissions from 15 submitters: Pathogenic (1). 14 of the submissions do not count toward it. Last evaluated 2025-11-25.

Conditions:
ABCA4-related retinopathy. Also called: ABCA4-related retinoapthy; ABCA4 retinoapthy. Identifiers: MedGen CN322612, MONDO:0800406.
Severe early-childhood-onset retinal dystrophy (STGD1). Also called: Stargardt macular dystrophy; Juvenile onset macular degeneration; Stargardt disease 1; MACULAR DYSTROPHY WITH FLECKS, TYPE 1; STGD. Identifiers: Orphanet 364055, Orphanet 827, MedGen C1855465, MeSH D000080362, MONDO:0009549, OMIM 248200.
ABCA4-related disorder. Also called: ABCA4-related disorders; ABCA4-related condition. Identifiers: MedGen CN239167.
Retinal dystrophy. Also called: Inherited retinal dystrophy. Identifiers: Orphanet 71862, MedGen C0854723, MeSH D058499, MONDO:0019118, HP:0000556.
Retinitis pigmentosa 19 (RP19). Also called: ABCA4-Related Retinitis Pigmentosa. Identifiers: Orphanet 791, MedGen C1866422, MONDO:0011137, OMIM 601718.
Cone-rod dystrophy 3 (CORD3). Identifiers: Orphanet 1872, MedGen C1858806, MONDO:0011395, OMIM 604116.
Age related macular degeneration 2. Also called: MACULOPATHY, AGE-RELATED; MACULAR DEGENERATION, SENILE; MACULOPATHY, AGE-RELATED, 2. Identifiers: MedGen C3495438, MONDO:0007932, OMIM 153800.
Stargardt disease (FFM). Also called: Stargardt's disease; Fundus flavimaculatus. Identifiers: Orphanet 827, MedGen C0271093, MONDO:0019353.

Allele frequency attached by ClinVar (database versions not stated): gnomAD 0.00002 and 0.00003; gnomAD exomes 0.00003 and 0.00005; ExAC 0.00004; TOPMed 0.00004.
gnomAD v4.1: 84 of 1,614,042 alleles (0.0052%); highest among the groups gnomAD compares: Non-Finnish European, 0.0057%; no homozygotes.

Submissions 1 to 10 of 15:

ClinGen ABCA4 Variant Curation Expert Panel, Clingen
Classification: Pathogenic for ABCA4-related retinopathy. Last evaluated: 2025-11-25. Review status: reviewed by expert panel. Criteria: ClinGen ABCA4 ACMG Specifications V1.0.0. Collection method: curation. Allele origin: germline. Inheritance: Autosomal recessive inheritance.
Comment: The NM_000350.3(ABCA4):c.3056C>T variant in ABCA4 is a missense variant predicted to cause substitution of threonine by methionine at amino acid 1019 (p.Thr1019Met). The total minor allele frequency in gnomAD v4.1.0 is 0.00005204 (84/1614042alleles), which is lower than the ClinGen ABCA4 VCEP’s threshold for PM2_Supporting (<0.0001). This variant has been detected in individuals with ABCA4-related retinopathy. Of those individuals, at least two were compound heterozygous for the variant and a pathogenic variant, one of which the phase was confirmed, and four individuals were homozygous for the variant (PM3_Strong, PMIDs: 11702214, 26103963, 28446513, 29925512, 32619608). At least one patient with this variant displayed presence of at least two ABCA4 variants, onset under 18 years of age, macular flecks on fundus autofluorescence with beaten bronze appearance, macular lesions, consisting of pigmentary changes and macular atrophy and decreased central acuity which is highly specific for ABCA4-related retinopathy (PP4, PMID: 11702214). The computational predictor REVEL gives a score of 0.956 which is above the threshold of >0.772, evidence that predicts a damaging effect on ABCA4 function (PP3_Moderate). In summary, this variant meets the criteria to be classified as pathogenic for ABCA4-related retinopathy based on the ACMG/AMP criteria applied, as specified by the ClinGen ABCA4 VCEP (Specification Version 1.0): PM3_Strong, PS4, PP3_Moderate, PP4, PM2_Supporting.

PreventionGenetics, part of Exact Sciences
Classification: Pathogenic for ABCA4-related condition. Last evaluated: 2026-07-22. Review status: criteria provided, single submitter. Criteria: ACMG Guidelines, 2015. Collection method: clinical testing. Allele origin: germline. Not counted in ClinVar's aggregate classification.
Comment: The ABCA4 c.3056C>T variant is predicted to result in the amino acid substitution p.Thr1019Met. This variant has been reported many times in individuals with ABCA4-related retinal disease (see for examples: Rozet et al. 1998. PubMed ID: 9781034; Table S1, Fujinami et al. 2018. PubMed ID: 29925512; Table S1, Lin et al. 2024. PubMed ID: 38219857). An alternate substitution of this amino acid residue (p.Thr1019Ala) has also been reported in individuals with retinal disease (Table S2, Huang et al. 2016. PubMed ID: 26992781). This variant is present in 0.0058% of alleles in individuals of Latino descent in gnomAD. This variant is interpreted as pathogenic.

Labcorp Genetics (formerly Invitae), Labcorp
Classification: Pathogenic. Last evaluated: 2026-01-12. Review status: criteria provided, single submitter. Criteria: Invitae Variant Classification Sherloc (09022015). Collection method: clinical testing. Allele origin: germline. Not counted in ClinVar's aggregate classification.
Comment: This sequence change replaces threonine, which is neutral and polar, with methionine, which is neutral and non-polar, at codon 1019 of the ABCA4 protein (p.Thr1019Met). This variant is present in population databases (rs201855602, gnomAD 0.009%). This missense change has been observed in individual(s) with Stargardt disease or retinopathy (PMID: 16103129, 19028736, 29114839, 29310964, 30093795). In at least one individual the data is consistent with being in trans (on the opposite chromosome) from a pathogenic variant. ClinVar contains an entry for this variant (Variation ID: 289310). Invitae Evidence Modeling of protein sequence and biophysical properties (such as structural, functional, and spatial information, amino acid conservation, physicochemical variation, residue mobility, and thermodynamic stability) indicates that this missense variant is expected to disrupt ABCA4 protein function with a positive predictive value of 95%. For these reasons, this variant has been classified as Pathogenic.

3billion
Classification: Pathogenic for Severe early-childhood-onset retinal dystrophy. Last evaluated: 2025-12-15. Review status: criteria provided, single submitter. Criteria: ACMG Guidelines, 2015. Collection method: clinical testing. Allele origin: germline. Affected: yes. Not counted in ClinVar's aggregate classification.
Comment: The variant is observed at an extremely low frequency in the gnomAD v4.1.0 dataset (total allele frequency: 0.005%). Predicted Consequence/Location: Missense variant In silico tool predictions suggest damaging effect of the variant on gene or gene product [REVEL: 0.96 (>=0.6, sensitivity 0.68 and specificity 0.92); 3Cnet: 0.78 (> 0.75, sensitivity 0.96 and precision 0.92)]. The same nucleotide change resulting in the same amino acid change has been previously reported as pathogenic/likely pathogenic with strong evidence (ClinVar ID: VCV000289310 /PMID: 9781034 /3billion dataset). The variant has been reported to be in trans with a pathogenic variant as either compound heterozygous or homozygous in at least one similarly affected unrelated individual (PMID: 19028736). A different missense change at the same codon (p.Thr1019Ala) has been reported as pathogenic/likely pathogenic with strong evidence (ClinVar ID: VCV000099194 /PMID: 11328725). Therefore, this variant is classified as Pathogenic according to the recommendation of ACMG/AMP guideline.

Dasa
Classification: Pathogenic. Last evaluated: 2025-09-25. Review status: criteria provided, single submitter. Criteria: DASA Assertion Criteria. Collection method: clinical testing. Allele origin: germline. Not counted in ClinVar's aggregate classification.
Comment: NM_000350.3(ABCA4):c.3056C>T (p.Thr1019Met) is a missense variant that results in the substitution of threonine with methionine. The affected residue or protein region has prior evidence supporting clinical relevance. This variant has been observed in affected individuals with related phenotype in a genotype context consistent with recessive disease (PMID: 16103129; PMID: 19028736; PMID: 29114839; PMID: 29310964; PMID: 30093795). Functional evidence supports a deleterious effect on the gene or gene product (PMID: 16103129; PMID: 19028736; PMID: 29114839; PMID: 29310964; PMID: 30093795). This variant has been recurrently observed in individuals with related phenotype (PMID: 16103129; PMID: 19028736; PMID: 29114839; PMID: 29310964; PMID: 30093795). Multiple computational predictions support a deleterious effect on the gene or gene product. The variant is present at low frequency in population datasets. Based on the available data, this variant is classified as pathogenic.

Blueprint Genetics
Classification: Pathogenic for ABCA4-related disorders. Last evaluated: 2024-03-27. Review status: criteria provided, single submitter. Criteria: ACMG Guidelines, 2015. Collection method: clinical testing. Allele origin: germline. Affected: yes. Observed: 5 variant alleles. Not counted in ClinVar's aggregate classification.

Fulgent Genetics
Classification: Pathogenic for Age related macular degeneration 2; Severe early-childhood-onset retinal dystrophy; Retinitis pigmentosa 19; Cone-rod dystrophy 3. Last evaluated: 2024-02-24. Review status: criteria provided, single submitter. Criteria: ACMG Guidelines, 2015. Collection method: clinical testing. Allele origin: germline. Not counted in ClinVar's aggregate classification.

Revvity Omics, Revvity
Classification: Pathogenic. Last evaluated: 2022-03-14. Review status: criteria provided, single submitter. Criteria: ACMG Guidelines, 2015. Collection method: clinical testing. Allele origin: germline. Not counted in ClinVar's aggregate classification.

GeneDx
Classification: Pathogenic. Last evaluated: 2021-12-25. Review status: criteria provided, single submitter. Criteria: GeneDx Variant Classification Process June 2021. Collection method: clinical testing. Allele origin: germline. Affected: yes. Not counted in ClinVar's aggregate classification.
Comment: Published functional studies demonstrate a damaging effect with reduced expression and reduced basal ATPase activity (Curtis et al., 2020); In silico analysis supports that this missense variant has a deleterious effect on protein structure/function; Not observed at significant frequency in large population cohorts (gnomAD); This variant is associated with the following publications: (PMID: 9781034, 16103129, 11702214, 23755871, 26103963, 23953153, 23499370, 24409374, 18977788, 22247458, 26743751, 28365912, 28571903, 29114839, 29925512, 31456290, 31589614, 32619608, 33090715, 33302505, 33301772, 29310964, 32845050)

CeGaT Center for Human Genetics Tuebingen
Classification: Pathogenic. Last evaluated: 2020-11-01. Review status: criteria provided, single submitter. Criteria: CeGaT Center For Human Genetics Tuebingen Variant Classification Criteria Version 2. Collection method: clinical testing. Allele origin: germline. Affected: yes. Observed: 2 variant alleles. Not counted in ClinVar's aggregate classification.